The following is an entry in ClinVar:

NM_006372.5(SYNCRIP):c.1776G>A (p.Gln592=)

Gene: SYNCRIP (synaptotagmin binding cytoplasmic RNA interacting protein; minus strand). Cytogenetic location: 6q14.3.
Variant type: single nucleotide variant.
Coding change: c.1776G>A on transcript NM_006372.5 (MANE Select); coding-DNA position 1776, G replaced by A.
Protein change: p.Gln592=; no amino-acid change (glutamine 592 retained).
Molecular consequence: synonymous variant. On other transcripts: intron variant (6).
Genome position (GRCh38, 1-based): chr6:85,614,852, C>T on the plus strand (G>A on the coding strand, the complement: SYNCRIP is on the minus strand). VCF-style: chr6-85614852-C-T. GRCh37 (hg19) VCF-style: chr6-86324570-C-T.
Other names: c.1671G>A, p.Gln557= (NM_001159675.2); c.1482G>A, p.Gln494= (NM_001410938.1, NM_001439159.1); c.1776G>A, p.Gln592= (NM_001439158.1, NM_001439161.1, NM_001439162.1); c.1647+129G>A (NM_001439160.1, NM_001159676.2, NM_001159677.2); c.1191+129G>A (NM_001253771.2); c.1353+129G>A (NM_001159673.2); c.1542+129G>A (NM_001159674.2).
Identifiers: ClinVar variation 3046652 (VCV003046652.2), dbSNP rs199509715, ClinGen allele CA3912624.
Genomic context (GRCh38, chr6:85,614,852, plus strand): 5'-CTCCTGGTTTTCAGATTTGTAACCATAGTTACCAGAATGATCACCACCTTGGAGCGGTTG[C>T]TGAGCAATGGGTTGGGAGCCCCAGTTCTGATTATTGGTCTGGCGCCGCTTGGAATCTGGC-3'
Protein context (NP_006363.4, residues 582-602): NQNWGSQPIA[Gln592=]QPLQGGDHSG

ClinVar aggregate classification (germline): Likely benign (0 of 4 stars; one submission).

Conditions:
SYNCRIP-related disorder. Also called: SYNCRIP-related condition.

Allele frequency attached by ClinVar (database versions not stated): TOPMed 0.00010; gnomAD 0.00011; ExAC 0.00013; gnomAD exomes 0.00025; ESP Exome Variant Server 0.00046.
gnomAD v4.1: 377 of 1,614,048 alleles (0.023%); highest among the groups gnomAD compares: Non-Finnish European, 0.031%; no homozygotes.

Submission:

PreventionGenetics, part of Exact Sciences
Classification: Likely benign for SYNCRIP-related condition. Last evaluated: 2019-03-28. Review status: no assertion criteria provided. Collection method: clinical testing. Allele origin: germline.
Comment: This variant is classified as likely benign based on ACMG/AMP sequence variant interpretation guidelines (Richards et al. 2015 PMID: 25741868, with internal and published modifications).